The following is an entry in ClinVar:

ClinVar aggregate classification (germline): Likely benign. Review status: criteria provided, multiple submitters, no conflicts (2 of 4 stars). 2 submissions from 2 submitters: Likely benign (2). Last evaluated 2025-12-25.

Conditions:
Achondrogenesis, type IB (ACG1B). Also called: Achondrogenesis Type 1B. Identifiers: Orphanet 932, Orphanet 93298, MedGen C0265274, MONDO:0010966, OMIM 600972.
Atelosteogenesis type II (AO2). Also called: SLC26A2-Related Atelosteogenesis; NEONATAL OSSEOUS DYSPLASIA I; Neonatal osseous dysplasia 1. Identifiers: Orphanet 56304, MedGen C1850554, MONDO:0009727, OMIM 256050.
Diastrophic dysplasia (DTD). Also called: Diastrophic dwarfism. Identifiers: Orphanet 628, MedGen C0220726, MONDO:0009107, OMIM 222600.
Multiple epiphyseal dysplasia type 4 (EDM4). Also called: MULTIPLE EPIPHYSEAL DYSPLASIA WITH BILAYERED PATELLAE; MULTIPLE EPIPHYSEAL DYSPLASIA WITH CLUBFOOT; MULTIPLE EPIPHYSEAL DYSPLASIA, AUTOSOMAL RECESSIVE; Multiple Epiphyseal Dysplasia, Recessive; SLC26A2-Related Multiple Epiphyseal Dysplasia. Identifiers: Orphanet 93307, MedGen C1847593, MONDO:0009189, OMIM 226900.

Allele frequency attached by ClinVar (database versions not stated): gnomAD exomes 0.00001 and 0.00005; ExAC 0.00007; gnomAD 0.00013 and 0.00014; TOPMed 0.00018; ESP Exome Variant Server 0.00031.
gnomAD v4.1: 31 of 1,613,976 alleles (0.0019%); highest among the groups gnomAD compares: African/African-American, 0.033%; no homozygotes.

Submissions (2):

Labcorp Genetics (formerly Invitae), Labcorp
Classification: Likely benign for Atelosteogenesis type II; Multiple epiphyseal dysplasia type 4; Achondrogenesis, type IB; Diastrophic dysplasia. Last evaluated: 2025-12-25. Review status: criteria provided, single submitter. Criteria: Invitae Variant Classification Sherloc (09022015). Collection method: clinical testing. Allele origin: germline.

GeneDx
Classification: Likely benign. Last evaluated: 2017-03-29. Review status: criteria provided, single submitter. Criteria: GeneDx Variant Classification (06012015). Collection method: clinical testing. Allele origin: germline. Affected: yes.
Comment: This variant is considered likely benign or benign based on one or more of the following criteria: it is a conservative change, it occurs at a poorly conserved position in the protein, it is predicted to be benign by multiple in silico algorithms, and/or has population frequency not consistent with disease.

NM_000112.4(SLC26A2):c.807C>T (p.Ala269=)

Gene: SLC26A2 (solute carrier family 26 member 2; plus strand). Cytogenetic location: 5q32.
Variant type: single nucleotide variant.
Coding change: c.807C>T on transcript NM_000112.4 (MANE Select); coding-DNA position 807, C replaced by T.
Protein change: p.Ala269=; no amino-acid change (alanine 269 retained).
Molecular consequence: synonymous variant.
Genome position (GRCh38, 1-based): chr5:149,980,400, C>T. VCF-style: chr5-149980400-C-T. GRCh37 (hg19) VCF-style: chr5-149359963-C-T.
Identifiers: ClinVar variation 508513 (VCV000508513.12), dbSNP rs148445106, ClinGen allele CA3505326.
Genomic context (GRCh38, chr5:149,980,400, plus strand): 5'-AGATGCCTTGCTGAGTGGATTTGTCACTGGTGCCTCCTTCACTATTCTTACATCTCAGGC[C>T]AAGTATCTTCTTGGGCTCAACCTTCCTCGGACTAATGGTGTGGGCTCACTCATCACTACC-3'
Protein context (NP_000103.2, residues 259-279): GASFTILTSQ[Ala269=]KYLLGLNLPR